The following is an entry in ClinVar:

ClinVar aggregate classification (germline): Uncertain significance (1 of 4 stars; one submission).

Submission:

Women's Health and Genetics/Laboratory Corporation of America, LabCorp
Classification: Uncertain significance. Last evaluated: 2025-09-03. Review status: criteria provided, single submitter. Criteria: LabCorp Variant Classification Summary - May 2015. Collection method: clinical testing. Allele origin: germline.
Comment: Variant summary: PRKG1 c.785A>G (p.Tyr262Cys) results in a non-conservative amino acid change in the encoded protein sequence. Algorithms developed to predict the effect of missense changes on protein structure and function all suggest that this variant is likely to be disruptive. The variant was absent in 251054 control chromosomes. The available data on variant occurrences in the general population are insufficient to allow any conclusion about variant significance. To our knowledge, no occurrence of c.785A>G in individuals affected with PRKG1-related conditions and no experimental evidence demonstrating its impact on protein function have been reported. No submitters have cited clinical-significance assessments for this variant to ClinVar. Based on the evidence outlined above, the variant was classified as uncertain significance.

NM_006258.4(PRKG1):c.785A>G (p.Tyr262Cys)

Gene: PRKG1 (protein kinase cGMP-dependent 1; plus strand). Cytogenetic location: 10q21.1.
Variant type: single nucleotide variant.
Coding change: c.785A>G on transcript NM_006258.4 (MANE Select); coding-DNA position 785, A replaced by G.
Protein change: p.Tyr262Cys; replaces tyrosine 262 with cysteine.
Molecular consequence: missense variant. On other transcripts: 5 prime UTR variant (1).
Genome position (GRCh38, 1-based): chr10:52,054,506, A>G. VCF-style: chr10-52054506-A-G. GRCh37 (hg19) VCF-style: chr10-53814266-A-G.
Other names: c.740A>G, p.Tyr247Cys (NM_001098512.3); c.-425A>G (NM_001374781.1); c.785A>G, p.Tyr262Cys (NM_001374782.1); short protein forms Y247C, Y262C.
Identifiers: ClinVar variation 4535877 (VCV004535877.1).
Genomic context (GRCh38, chr10:52,054,506, plus strand): 5'-CTTGCTTAATTTTTTTTCTTATTGTTTCTACTTTTCAGACCCACTATGAAAATGGAGAAT[A>G]TATTATCAGGCAAGGTGCAAGAGGGGACACCTTCTTTATCATCAGCAAAGGAACGGTAAG-3'
Protein context (NP_006249.1, residues 252-272): LEETHYENGE[Tyr262Cys]IIRQGARGDT